The following is an entry in ClinVar:

NM_004715.5(CTDP1):c.2372C>T (p.Ala791Val)

Gene: CTDP1 (CTD phosphatase 1; plus strand). Cytogenetic location: 18q23.
Variant type: single nucleotide variant.
Coding change: c.2372C>T on transcript NM_004715.5 (MANE Select); coding-DNA position 2372, C replaced by T.
Protein change: p.Ala791Val; replaces alanine 791 with valine.
Molecular consequence: missense variant.
Genome position (GRCh38, 1-based): chr18:79,717,971, C>T. VCF-style: chr18-79717971-C-T. GRCh37 (hg19) VCF-style: chr18-77477971-C-T.
Other names: c.2015C>T, p.Ala672Val (NM_001202504.1); c.2372C>T, p.Ala791Val (NM_001318511.2, NM_048368.4); short protein forms A791V, A672V.
Identifiers: ClinVar variation 2073665 (VCV002073665.6), dbSNP rs148819920, ClinGen allele CA9010569.

ClinVar aggregate classification (germline): Uncertain significance. Review status: criteria provided, multiple submitters, no conflicts (2 of 4 stars). 3 submissions from 3 submitters: Uncertain significance (3). Last evaluated 2025-08-05.

Allele frequency attached by ClinVar (database versions not stated): gnomAD exomes 0.00003; ESP Exome Variant Server 0.00008; TOPMed 0.00014; gnomAD 0.00015; ExAC 0.00016; 1000 Genomes Project 30x 0.00047; 1000 Genomes Project 0.00060.
gnomAD v4.1: 112 of 1,613,524 alleles (0.0069%); highest among the groups gnomAD compares: East Asian, 0.065%; 2 homozygotes.

Submissions (3):

Ambry Genetics
Classification: Uncertain significance. Last evaluated: 2025-08-05. Review status: criteria provided, single submitter. Criteria: Ambry Variant Classification Scheme 2023. Collection method: clinical testing. Allele origin: germline.

Labcorp Genetics (formerly Invitae), Labcorp
Classification: Uncertain significance. Last evaluated: 2024-12-10. Review status: criteria provided, single submitter. Criteria: Invitae Variant Classification Sherloc (09022015). Collection method: clinical testing. Allele origin: germline.
Comment: This sequence change replaces alanine, which is neutral and non-polar, with valine, which is neutral and non-polar, at codon 791 of the CTDP1 protein (p.Ala791Val). This variant is present in population databases (rs148819920, gnomAD 0.1%). This variant has not been reported in the literature in individuals affected with CTDP1-related conditions. ClinVar contains an entry for this variant (Variation ID: 2073665). An algorithm developed to predict the effect of missense changes on protein structure and function (PolyPhen-2) suggests that this variant¬†is likely to be tolerated. In summary, the available evidence is currently insufficient to determine the role of this variant in disease. Therefore, it has been classified as a Variant of Uncertain Significance.

Blueprint Genetics
Classification: Uncertain significance. Last evaluated: 2024-11-25. Review status: criteria provided, single submitter. Criteria: ACMG Guidelines, 2015. Collection method: clinical testing. Allele origin: germline.